The following is an entry in ClinVar:

ClinVar aggregate classification (germline): Benign/Likely benign. Review status: criteria provided, multiple submitters, no conflicts (2 of 4 stars). 10 submissions from 10 submitters: Benign (2); Likely benign (7). 1 of the submissions does not count toward it. Last evaluated 2025-09-01.

Conditions:
ETFB-related disorder. Also called: ETFB-related condition.
Multiple acyl-CoA dehydrogenase deficiency (MADD). Also called: Glutaric acidemia type II; GA 2; ETHYLMALONIC-ADIPICACIDURIA; GA II; Glutaric Acidemia type 2; Glutaric aciduria, type 2. Identifiers: Orphanet 26791, MedGen C0268596, MONDO:0009282, OMIM 231680.

Allele frequency attached by ClinVar (database versions not stated): 1000 Genomes Project 0.00080; 1000 Genomes Project 30x 0.00094; ExAC 0.00230; gnomAD exomes 0.00248 and 0.00438; ESP Exome Variant Server 0.00261; TOPMed 0.00261; gnomAD 0.00290 and 0.00299.
gnomAD v4.1: 6,808 of 1,614,208 alleles (0.42%); highest among the groups gnomAD compares: Non-Finnish European, 0.51%; 17 homozygotes.

Submissions (11):

CeGaT Center for Human Genetics Tuebingen
Classification: Likely benign. Last evaluated: 2025-09-01. Review status: criteria provided, single submitter. Criteria: CeGaT Center For Human Genetics Tuebingen Variant Classification Criteria Version 2. Collection method: clinical testing. Allele origin: germline. Affected: yes. Observed: 7 variant alleles.
Comment: ETFB: BP4, BS2

ARUP Laboratories, Molecular Genetics and Genomics, ARUP Laboratories
Classification: Likely benign for Multiple acyl-CoA dehydrogenase deficiency. Last evaluated: 2025-04-03. Review status: criteria provided, single submitter. Criteria: ARUP Molecular Germline Variant Investigation Process 2024. Collection method: clinical testing. Allele origin: germline.

Blueprint Genetics
Classification: Likely benign. Last evaluated: 2024-11-21. Review status: criteria provided, single submitter. Criteria: ACMG Guidelines, 2015. Collection method: clinical testing. Allele origin: germline.

Fulgent Genetics
Classification: Likely benign for Multiple acyl-CoA dehydrogenase deficiency. Last evaluated: 2022-05-18. Review status: criteria provided, single submitter. Criteria: ACMG Guidelines, 2015. Collection method: clinical testing. Allele origin: unknown.

Department of Pathology and Laboratory Medicine, Sinai Health System
Classification: Likely benign for Multiple acyl-CoA dehydrogenase deficiency. Last evaluated: 2022-05-10. Review status: criteria provided, single submitter. Criteria: ACMG Guidelines, 2015. Collection method: research. Allele origin: germline.

Clinical Genetics DNA and cytogenetics Diagnostics Lab, Erasmus MC, Erasmus Medical Center
Classification: Likely benign for Multiple acyl-CoA dehydrogenase deficiency. Last evaluated: 2017-05-22. Review status: criteria provided, single submitter. Criteria: ACGS Guidelines, 2013. Collection method: clinical testing. Allele origin: germline. Affected: yes. Study: VKGL Data-share Consensus.

Genome Diagnostics Laboratory, University Medical Center Utrecht
Classification: Benign for Multiple acyl-CoA dehydrogenase deficiency. Last evaluated: 2014-10-09. Review status: criteria provided, single submitter. Criteria: ACGS Guidelines, 2013. Collection method: clinical testing. Allele origin: germline. Affected: yes. Study: VKGL Data-share Consensus.

GeneDx
Classification: Benign. Last evaluated: 2014-04-07. Review status: criteria provided, single submitter. Criteria: GeneDx Variant Classification (06012015). Collection method: clinical testing. Allele origin: germline. Affected: yes.
Comment: This variant is considered likely benign or benign based on one or more of the following criteria: it is a conservative change, it occurs at a poorly conserved position in the protein, it is predicted to be benign by multiple in silico algorithms, and/or has population frequency not consistent with disease.

Breakthrough Genomics
Classification: Likely benign. Review status: criteria provided, single submitter. Criteria: ACMG Guidelines, 2015. Collection method: not provided. Allele origin: germline. Inheritance: Autosomal recessive inheritance. Affected: yes.

PreventionGenetics, part of Exact Sciences
Classification: Likely benign for ETFB-related condition. Last evaluated: 2019-05-18. Review status: no assertion criteria provided. Collection method: clinical testing. Allele origin: germline. Not counted in ClinVar's aggregate classification.
Comment: This variant is classified as likely benign based on ACMG/AMP sequence variant interpretation guidelines (Richards et al. 2015 PMID: 25741868, with internal and published modifications).

Dr. Peter K. Rogan Lab, Western University
No classification provided (evidence only). Condition: Malignant tumor of urinary bladder. Review status: no classification provided. Collection method: in vitro. Allele origin: not applicable. Functional consequence: retained intron. Not counted in ClinVar's aggregate classification.

NM_001985.3(ETFB):c.58-212A>C

Gene: ETFB (electron transfer flavoprotein subunit beta; minus strand). Cytogenetic location: 19q13.41.
Variant type: single nucleotide variant.
Coding change: c.58-212A>C on transcript NM_001985.3 (MANE Select); 212 bases into the intron before coding-DNA position 58, A replaced by C.
Molecular consequence: intron variant. On other transcripts: missense variant (1).
Genome position (GRCh38, 1-based): chr19:51,354,520, T>G on the plus strand (A>C on the coding strand, the complement: ETFB is on the minus strand). VCF-style: chr19-51354520-T-G. GRCh37 (hg19) VCF-style: chr19-51857774-T-G.
Other names: p.E40A:GAA>GCA; NC_000019.9:g.51857774T>G; c.119A>C, p.Glu40Ala (NM_001014763.1); short protein forms E40A.
Identifiers: ClinVar variation 137226 (VCV000137226.51), dbSNP rs143144671, ClinGen allele CA290761.